The following is an entry in ClinVar:

ClinVar aggregate classification (germline): Uncertain significance (1 of 4 stars; one submission).

Conditions:
Cardiovascular phenotype. Identifiers: MedGen CN230736.
Hereditary cancer-predisposing syndrome. Also called: Neoplastic Syndromes, Hereditary; Tumor predisposition; Hereditary Cancer Syndrome; Hereditary neoplastic syndrome. Identifiers: Orphanet 140162, MedGen C0027672, MeSH D009386, MONDO:0015356.

Submission:

Ambry Genetics
Classification: Uncertain significance for Cardiovascular phenotype; Hereditary cancer-predisposing syndrome. Last evaluated: 2022-03-01. Review status: criteria provided, single submitter. Criteria: Ambry Variant Classification Scheme 2023. Collection method: clinical testing. Allele origin: germline.
Comment: The p.S2170A variant (also known as c.6508T>G), located in coding exon 42 of the NF1 gene, results from a T to G substitution at nucleotide position 6508. The serine at codon 2170 is replaced by alanine, an amino acid with similar properties. This amino acid position is conserved. In addition, this alteration is predicted to be tolerated by in silico analysis. Since supporting evidence is limited at this time, the clinical significance of this alteration remains unclear.

NM_001042492.3(NF1):c.6571T>G (p.Ser2191Ala)

Gene: NF1 (neurofibromin 1; plus strand). Cytogenetic location: 17q11.2.
Variant type: single nucleotide variant.
Coding change: c.6571T>G on transcript NM_001042492.3 (MANE Select); coding-DNA position 6571, T replaced by G.
Protein change: p.Ser2191Ala; replaces serine 2191 with alanine.
Molecular consequence: missense variant.
Genome position (GRCh38, 1-based): chr17:31,337,511, T>G. VCF-style: chr17-31337511-T-G. GRCh37 (hg19) VCF-style: chr17-29664529-T-G.
Other names: c.6508T>G, p.Ser2170Ala (NM_000267.4); short protein forms S2191A, S2170A.
Identifiers: ClinVar variation 1753944 (VCV001753944.2), dbSNP rs754630324, ClinGen allele CA399013303.